The following is an entry in ClinVar:

ClinVar aggregate classification (germline): Likely pathogenic. Review status: criteria provided, multiple submitters, no conflicts (2 of 4 stars). 2 submissions from 2 submitters: Likely pathogenic (2). Last evaluated 2025-10-20.

Conditions:
Telangiectasia, hereditary hemorrhagic, type 1 (HHT1). Also called: Osler Weber Rendu syndrome type 1; ENG-Related Hereditary Hemorrhagic Telangiectasia. Identifiers: Orphanet 774, MedGen C4551861, MONDO:0008535, OMIM 187300. Disease mechanism: loss of function.

Submissions (2):

Mayo Clinic Laboratories, Mayo Clinic
Classification: Likely pathogenic. Last evaluated: 2025-10-20. Review status: criteria provided, single submitter. Criteria: ACMG Guidelines, 2015. Collection method: clinical testing. Allele origin: germline. Observed: 1 variant allele.
Comment: PM2_supporting, PVS1

Genetics and Molecular Pathology, SA Pathology
Classification: Likely pathogenic for Telangiectasia, hereditary hemorrhagic, type 1. Last evaluated: 2022-06-03. Review status: criteria provided, single submitter. Criteria: ACMG Guidelines, 2015. Collection method: clinical testing. Allele origin: germline. Inheritance: Autosomal dominant inheritance. Affected: yes.

NM_001114753.3(ENG):c.111del (p.Glu38fs)

Gene: ENG (endoglin; minus strand). Cytogenetic location: 9q34.11.
Variant type: Deletion.
Coding change: c.111del on transcript NM_001114753.3 (MANE Select); coding-DNA position 111, one base deleted (C; older notation c.111delC).
Protein change: p.Glu38fs; shifts the reading frame from glutamic acid 38.
Molecular consequence: frameshift variant. On other transcripts: 5 prime UTR variant (1).
Genome position (GRCh38, 1-based): chr9:127,843,202, G deleted on the plus strand (C on the coding strand, the reverse complement: ENG is on the minus strand); the first of 4 consecutive G bases (chr9:127,843,202-127,843,205); deleting any one gives the same sequence. VCF-style (leftmost placement, unchanged base first): chr9-127843201-CG-C. GRCh37 (hg19) VCF-style: chr9-130605480-CG-C.
Other names: p.Glu38Argfs*5; c.108delC, p.Glu38Argfs (NM_000118.4, NM_001114753.2, NM_001406715.1); c.-436del (NM_001278138.2); c.111delC (NM_001114753.3); c.111del (NM_001114753.2); short protein forms E38fs.
Identifiers: ClinVar variation 1803253 (VCV001803253.3), dbSNP rs2539107590, ClinGen allele CA2573106193.